The following is an entry in ClinVar:

NM_015175.3(NBEAL2):c.3773_3774insCAGCGTTCGCCTC (p.Asp1259fs)

Gene: NBEAL2 (neurobeachin like 2; plus strand). Cytogenetic location: 3p21.31.
Variant type: Insertion.
Coding change: c.3773_3774insCAGCGTTCGCCTC on transcript NM_015175.3 (MANE Select); coding-DNA positions 3773 to 3774, CAGCGTTCGCCTC inserted.
Protein change: p.Asp1259fs; shifts the reading frame from aspartic acid 1259.
Molecular consequence: frameshift variant.
Genome position: GRCh38 VCF-style: chr3-46999699-T-TCAGCGTTCGCCTC. GRCh37 (hg19) VCF-style: chr3-47041189-T-TCAGCGTTCGCCTC.
Other names: NM_015175.3:c.3773_3774insCAGCGTTCGCCTC; c.3671_3672insCAGCGTTCGCCTC, p.Asp1225fs (NM_001365116.2); short protein forms D1225fs, D1259fs.
Identifiers: ClinVar variation 2500892 (VCV002500892.1), dbSNP rs2545268573, ClinGen allele CA658820696.

ClinVar aggregate classification (germline): Likely pathogenic (1 of 4 stars; one submission).

Conditions:
Gray platelet syndrome (GPS). Also called: BLEEDING DISORDER, PLATELET-TYPE, 4. Identifiers: Orphanet 721, MedGen C0272302, MONDO:0007686, OMIM 139090.

Submission:

Broad Center for Mendelian Genomics, Broad Institute of MIT and Harvard
Classification: Likely pathogenic for Gray platelet syndrome. Last evaluated: 2023-05-02. Review status: criteria provided, single submitter. Criteria: ACMG Guidelines, 2015. Collection method: curation. Allele origin: germline. Inheritance: Autosomal recessive inheritance.
Comment: The homozygous p.Asp1259SerfsTer69 variant in NBEAL2 has not been previously reported in individuals with gray platelet syndrome. This variant was absent from large population studies. This variant is predicted to cause a frameshift, which alters the protein‚Äôs amino acid sequence beginning at position 1259 and leads to a premature termination codon 69 amino acids downstream. This alteration is then predicted to lead to a truncated or absent protein. Loss of function of the NBEAL2 gene is an established disease mechanism in autosomal recessive gray platelet syndrome. In summary, although additional studies are required to fully establish its clinical significance, this variant is likely pathogenic for autosomal recessive gray platelet syndrome. ACMG/AMP Criteria applied: PVS1, PM2_Supporting (Richards 2015).